The following is an entry in ClinVar:

NM_015425.6(POLR1A):c.2969+1G>A

Genes: POLR1A (RNA polymerase I subunit A; minus strand), LOC126806263 (BRD4-independent group 4 enhancer GRCh37_chr2:86272354-86273553; plus strand). Cytogenetic location: 2p11.2.
Variant type: single nucleotide variant.
Coding change: c.2969+1G>A on transcript NM_015425.6 (MANE Select); the canonical splice donor site of the intron after coding-DNA position 2969, G replaced by A.
Molecular consequence: splice donor variant.
Genome position (GRCh38, 1-based): chr2:86,045,277, C>T on the plus strand (G>A on the coding strand, the complement: POLR1A is on the minus strand). VCF-style: chr2-86045277-C-T. GRCh37 (hg19) VCF-style: chr2-86272400-C-T.
Identifiers: ClinVar variation 1375677 (VCV001375677.6), dbSNP rs2104392417, ClinGen allele CA347538722.

ClinVar aggregate classification (germline): Uncertain significance (1 of 4 stars; one submission).

Submission:

Labcorp Genetics (formerly Invitae), Labcorp
Classification: Uncertain significance. Last evaluated: 2021-08-24. Review status: criteria provided, single submitter. Criteria: Invitae Variant Classification Sherloc (09022015). Collection method: clinical testing. Allele origin: germline.
Comment: In summary, the available evidence is currently insufficient to determine the role of this variant in disease. Therefore, it has been classified as a Variant of Uncertain Significance. This variant has not been reported in the literature in individuals affected with POLR1A-related conditions. This variant is not present in population databases (ExAC no frequency). This sequence change affects a donor splice site in intron 21 of the POLR1A gene. It is expected to disrupt RNA splicing. Variants that disrupt the donor or acceptor splice site typically lead to a loss of protein function (PMID: 16199547), however the current clinical and genetic evidence is not sufficient to establish whether loss-of-function variants in POLR1A cause disease.

Literature cited by the submitters: PubMed 16199547.